The following is an entry in ClinVar:

ClinVar aggregate classification (germline): Uncertain significance (1 of 4 stars; one submission).

Conditions:
Epileptic encephalopathy. Identifiers: MedGen C0543888, HP:0200134.

Submission:

Labcorp Genetics (formerly Invitae), Labcorp
Classification: Uncertain significance for Epileptic encephalopathy. Last evaluated: 2020-11-24. Review status: criteria provided, single submitter. Criteria: Invitae Variant Classification Sherloc (09022015). Collection method: clinical testing. Allele origin: germline.
Comment: In summary, the available evidence is currently insufficient to determine the role of this variant in disease. Therefore, it has been classified as a Variant of Uncertain Significance. Algorithms developed to predict the effect of missense changes on protein structure and function are either unavailable or do not agree on the potential impact of this missense change (SIFT: "Deleterious"; PolyPhen-2: "Benign"; Align-GVGD: "Class C0"). This variant has not been reported in the literature in individuals with FASN-related conditions. This variant is not present in population databases (ExAC no frequency). This sequence change replaces glutamic acid with glycine at codon 1986 of the FASN protein (p.Glu1986Gly). The glutamic acid residue is moderately conserved and there is a moderate physicochemical difference between glutamic acid and glycine.

NM_004104.5(FASN):c.5957A>G (p.Glu1986Gly)

Gene: FASN (fatty acid synthase; minus strand). Cytogenetic location: 17q25.3.
Variant type: single nucleotide variant.
Coding change: c.5957A>G on transcript NM_004104.5 (MANE Select); coding-DNA position 5957, A replaced by G.
Protein change: p.Glu1986Gly; replaces glutamic acid 1986 with glycine.
Molecular consequence: missense variant.
Genome position (GRCh38, 1-based): chr17:82,082,377, T>C on the plus strand (A>G on the coding strand, the complement: FASN is on the minus strand). VCF-style: chr17-82082377-T-C. GRCh37 (hg19) VCF-style: chr17-80040253-T-C.
Other names: short protein forms E1986G.
Identifiers: ClinVar variation 1350903 (VCV001350903.8), dbSNP rs2144783330, ClinGen allele CA401534746.